The following is an entry in ClinVar:

ClinVar aggregate classification (germline): Uncertain significance (1 of 4 stars; one submission).

Conditions:
Hereditary cancer-predisposing syndrome. Also called: Neoplastic Syndromes, Hereditary; Hereditary neoplastic syndrome; Tumor predisposition; Hereditary Cancer Syndrome. Identifiers: Orphanet 140162, MedGen C0027672, MeSH D009386, MONDO:0015356.

Submission:

Ambry Genetics
Classification: Uncertain significance for Hereditary cancer-predisposing syndrome. Last evaluated: 2022-12-03. Review status: criteria provided, single submitter. Criteria: Ambry Variant Classification Scheme 2023. Collection method: clinical testing. Allele origin: germline.
Comment: The p.N1816H variant (also known as c.5446A>C), located in coding exon 40 of the POLE gene, results from an A to C substitution at nucleotide position 5446. The asparagine at codon 1816 is replaced by histidine, an amino acid with similar properties. This amino acid position is conserved. In addition, this alteration is predicted to be tolerated by in silico analysis. Since supporting evidence is limited at this time, the clinical significance of this alteration remains unclear.

NM_006231.4(POLE):c.5446A>C (p.Asn1816His)

Gene: POLE (DNA polymerase epsilon, catalytic subunit; minus strand). Cytogenetic location: 12q24.33.
Variant type: single nucleotide variant.
Coding change: c.5446A>C on transcript NM_006231.4 (MANE Select); coding-DNA position 5446, A replaced by C.
Protein change: p.Asn1816His; replaces asparagine 1816 with histidine.
Molecular consequence: missense variant.
Genome position (GRCh38, 1-based): chr12:132,639,231, T>G on the plus strand (A>C on the coding strand, the complement: POLE is on the minus strand). VCF-style: chr12-132639231-T-G. GRCh37 (hg19) VCF-style: chr12-133215817-T-G.
Other names: short protein forms N1816H.
Identifiers: ClinVar variation 2496850 (VCV002496850.2), dbSNP rs2138510262, ClinGen allele CA387374796.